The following is an entry in ClinVar:

ClinVar aggregate classification (germline): Uncertain significance (1 of 4 stars; one submission).

Conditions:
Fanconi anemia (FA). Also called: Fanconi's anemia. Identifiers: Orphanet 84, MedGen C0015625, MeSH D005199, MONDO:0019391.

Allele frequency attached by ClinVar (database versions not stated): gnomAD exomes below 0.00001.
gnomAD v4.1: 2 of 1,552,318 alleles (0.00013%); highest among the groups gnomAD compares: South Asian, 0.0012%; no homozygotes.

Submission:

Labcorp Genetics (formerly Invitae), Labcorp
Classification: Uncertain significance for Fanconi anemia. Last evaluated: 2025-02-03. Review status: criteria provided, single submitter. Criteria: Invitae Variant Classification Sherloc (09022015). Collection method: clinical testing. Allele origin: germline.
Comment: This sequence change replaces valine, which is neutral and non-polar, with isoleucine, which is neutral and non-polar, at codon 845 of the FANCI protein (p.Val845Ile). This variant is not present in population databases (gnomAD no frequency). This variant has not been reported in the literature in individuals affected with FANCI-related conditions. ClinVar contains an entry for this variant (Variation ID: 638976). An algorithm developed to predict the effect of missense changes on protein structure and function outputs the following: PolyPhen-2: "Benign". The isoleucine amino acid residue is found in multiple mammalian species, which suggests that this missense change does not adversely affect protein function. In summary, the available evidence is currently insufficient to determine the role of this variant in disease. Therefore, it has been classified as a Variant of Uncertain Significance.

NM_001113378.2(FANCI):c.2533G>A (p.Val845Ile)

Gene: FANCI (FA complementation group I; plus strand). Cytogenetic location: 15q26.1.
Variant type: single nucleotide variant.
Coding change: c.2533G>A on transcript NM_001113378.2 (MANE Select); coding-DNA position 2533, G replaced by A.
Protein change: p.Val845Ile; replaces valine 845 with isoleucine.
Molecular consequence: missense variant. On other transcripts: intron variant (1).
Genome position (GRCh38, 1-based): chr15:89,294,991, G>A. VCF-style: chr15-89294991-G-A. GRCh37 (hg19) VCF-style: chr15-89838222-G-A.
Other names: c.2254G>A, p.Val752Ile (NM_001376910.1); c.2533G>A, p.Val845Ile (NM_001376911.1); c.2456+994G>A (NM_018193.3); short protein forms V845I, V752I.
Identifiers: ClinVar variation 638976 (VCV000638976.8), dbSNP rs1596307741, ClinGen allele CA393750834.
Genomic context (GRCh38, chr15:89,294,991, plus strand): 5'-CACCAAGAAAGCCTTTCTGTTCTCAGGTCCAGCAATGAGTTTATGCGCTATGCAGTGAAT[G>A]TAGCTCTGCAGAAAGTACAGCAGCTAAAGGAAACAGGGCATGTGAGTGGCCCTGATGGCC-3'
Protein context (NP_001106849.1, residues 835-855): SNEFMRYAVN[Val845Ile]ALQKVQQLKE